The following is an entry in ClinVar:

NM_183357.3(ADCY5):c.828_829delinsTC (p.Ala277Pro)

Gene: ADCY5 (adenylate cyclase 5; minus strand). Cytogenetic location: 3q21.1.
Variant type: Indel.
Coding change: c.828_829delinsTC on transcript NM_183357.3 (MANE Select); coding-DNA positions 828 to 829, CG replaced by TC.
Protein change: p.Ala277Pro; replaces alanine 277 with proline.
Molecular consequence: missense variant.
Genome position (GRCh38, 1-based): chr3:123,447,717-123,447,718, CG replaced by GA on the plus strand (CG replaced by TC on the coding strand, the reverse complement: ADCY5 is on the minus strand). VCF-style: chr3-123447717-CG-GA. GRCh37 (hg19) VCF-style: chr3-123166564-CG-GA.
Other names: c.828_829delinsTC, p.Ala277Pro (NM_001378259.1); short protein forms A277P.
Identifiers: ClinVar variation 2975729 (VCV002975729.3), dbSNP rs2473326101, ClinGen allele CA2740094583.
Genomic context (GRCh38, chr3:123,447,717, plus strand): 5'-GGTCCTGGTGGAAGGCGGCGCGGTTGCAAAGCACAGCCATGATGAGGATCACGCCGACGG[CG>GA]GCCGCCAGCACGGCCAGGTAGGGCAGCTGGAGCGGGGGCCGCGCCGCGTGGAAGGCCAAC-3'
Protein context (NP_899200.1, residues 267-287): QLPYLAVLAA[Ala277Pro]VGVILIMAVL

ClinVar aggregate classification (germline): Uncertain significance (1 of 4 stars; one submission).

Submission:

Labcorp Genetics (formerly Invitae), Labcorp
Classification: Uncertain significance. Last evaluated: 2024-07-08. Review status: criteria provided, single submitter. Criteria: Invitae Variant Classification Sherloc (09022015). Collection method: clinical testing. Allele origin: germline.
Comment: This sequence change replaces alanine, which is neutral and non-polar, with proline, which is neutral and non-polar, at codon 277 of the ADCY5 protein (p.Ala277Pro). Information on the frequency of this variant in the gnomAD database is not available, as this variant may be reported differently in the database. This variant has not been reported in the literature in individuals affected with ADCY5-related conditions. Experimental studies and prediction algorithms are not available or were not evaluated, and the functional significance of this variant is currently unknown. In summary, the available evidence is currently insufficient to determine the role of this variant in disease. Therefore, it has been classified as a Variant of Uncertain Significance.